The following is an entry in ClinVar:

ClinVar aggregate classification (germline): Pathogenic. Review status: criteria provided, multiple submitters, no conflicts (2 of 4 stars). 6 submissions from 6 submitters: Pathogenic (4). 2 of the submissions do not count toward it. Last evaluated 2025-04-08.

Conditions:
Retinitis pigmentosa 61 (RP61). Identifiers: Orphanet 791, MedGen C3280041, MONDO:0013610, OMIM 614180.
Usher syndrome type 3A (USH3A). Also called: USHER SYNDROME, TYPE IIIA. Identifiers: MedGen C5779850, MONDO:0010170, OMIM 276902.
Usher syndrome. Also called: Usher Syndromes; Usher's syndrome. Identifiers: Orphanet 886, MedGen CN469326, MeSH D052245, MONDO:0019501. Disease mechanism: loss of function.
Rare genetic deafness. Identifiers: Orphanet 96210, MedGen C5680250.
Usher syndrome type 3. Also called: Usher Syndrome, Type III. Identifiers: Orphanet 231183, MedGen C1568248, MONDO:0016485.

Submissions (6):

Labcorp Genetics (formerly Invitae), Labcorp
Classification: Pathogenic. Last evaluated: 2025-04-08. Review status: criteria provided, single submitter. Criteria: Invitae Variant Classification Sherloc (09022015). Collection method: clinical testing. Allele origin: germline.
Comment: This sequence change creates a premature translational stop signal (p.Val101Serfs*27) in the CLRN1 gene. It is expected to result in an absent or disrupted protein product. Loss-of-function variants in CLRN1 are known to be pathogenic (PMID: 11524702, 24498627). This variant is present in population databases (rs397517932, gnomAD 0.002%). This premature translational stop signal has been observed in individual(s) with Usher syndrome (PMID: 21675857). ClinVar contains an entry for this variant (Variation ID: 48145). For these reasons, this variant has been classified as Pathogenic.

CeGaT Center for Human Genetics Tuebingen
Classification: Pathogenic. Last evaluated: 2024-08-01. Review status: criteria provided, single submitter. Criteria: CeGaT Center For Human Genetics Tuebingen Variant Classification Criteria Version 2. Collection method: clinical testing. Allele origin: germline. Affected: yes. Observed: 1 variant allele.
Comment: CLRN1: PVS1, PP1:Strong, PM2, PM3

Fulgent Genetics
Classification: Pathogenic for Usher syndrome type 3A; Retinitis pigmentosa 61. Last evaluated: 2024-06-01. Review status: criteria provided, single submitter. Criteria: ACMG Guidelines, 2015. Collection method: clinical testing. Allele origin: germline.

Laboratory for Molecular Medicine, Mass General Brigham Personalized Medicine
Classification: Pathogenic for Rare genetic deafness. Last evaluated: 2011-11-08. Review status: criteria provided, single submitter. Criteria: LMM Criteria. Collection method: clinical testing. Allele origin: germline. Observed: 2 variant alleles.
Comment: The Val101fs variant in CLRN1 has been identified in the homozygous state in two Lebanese siblings with Usher syndrome (Akoury 2011). This variant results in a frameshift at position 101 leading to a premature stop 27 codons downstream, whi ch is predicted to lead to a truncated or absent protein. In summary, this varia nt meets our criteria to be classified as pathogenic.

Faculty of Health Sciences, Beirut Arab University
Classification: Pathogenic for USHER Syndrome. Last evaluated: 2022-02-12. Review status: no assertion criteria provided. Collection method: research. Allele origin: germline. Affected: yes. Observed: 3 variant alleles. Not counted in ClinVar's aggregate classification.

Counsyl
Classification: Likely pathogenic for Usher syndrome, type 3. Last evaluated: 2014-12-02. Review status: no assertion criteria provided. Collection method: literature only. Allele origin: unknown. Inheritance: Autosomal recessive inheritance. Not counted in ClinVar's aggregate classification.

Literature cited by the submitters: PubMed 11524702 (cited by Labcorp Genetics (formerly Invitae), Labcorp); PubMed 24498627 (cited by Labcorp Genetics (formerly Invitae), Labcorp); PubMed 21675857 (cited by 3 submitters).

NM_174878.3(CLRN1):c.301_305del (p.Val101fs)

Gene: CLRN1 (clarin 1; minus strand). Cytogenetic location: 3q25.1.
Variant type: Deletion.
Coding change: c.301_305del on transcript NM_174878.3 (MANE Select); coding-DNA positions 301 to 305, 5 bases deleted (GTCAT; older notation c.301_305delGTCAT).
Protein change: p.Val101fs; shifts the reading frame from valine 101.
Molecular consequence: frameshift variant. On other transcripts: non-coding transcript variant (1).
Genome position (GRCh38, 1-based): chr3:150,941,710-150,941,714, ATGAC deleted on the plus strand (GTCAT on the coding strand, the reverse complement: CLRN1 is on the minus strand); deleting any 5 consecutive bases within chr3:150,941,710-150,941,716 gives the same sequence; the c. name uses the placement nearest the transcript's 3' end. VCF-style (leftmost placement, unchanged base first): chr3-150941709-AATGAC-A. GRCh37 (hg19) VCF-style: chr3-150659496-AATGAC-A.
Other names: p.(Val101SerfsTer27); c.301_305del, p.Val101fs (NM_001195794.1); c.473_477del, p.Cys158fs (NM_001256819.2); c.73_77del, p.Val25fs (NM_052995.2); c.301_305delGTCAT (NM_001195794.1); short protein forms C158fs, V25fs, V101fs.
Identifiers: ClinVar variation 48145 (VCV000048145.32), dbSNP rs397517932, ClinGen allele CA142687.